The following is an entry in ClinVar:

NM_000135.4(FANCA):c.3164G>A (p.Arg1055Gln)

Gene: FANCA (FA complementation group A; minus strand). Cytogenetic location: 16q24.3.
Variant type: single nucleotide variant.
Coding change: c.3164G>A on transcript NM_000135.4 (MANE Select); coding-DNA position 3164, G replaced by A.
Protein change: p.Arg1055Gln; replaces arginine 1055 with glutamine.
Molecular consequence: missense variant.
Genome position (GRCh38, 1-based): chr16:89,749,805, C>T on the plus strand (G>A on the coding strand, the complement: FANCA is on the minus strand). VCF-style: chr16-89749805-C-T. GRCh37 (hg19) VCF-style: chr16-89816213-C-T.
Other names: c.3164G>A, p.Arg1055Gln (NM_001286167.3); c.3164G>A (NM_000135.3); short protein forms R1055Q.
Identifiers: ClinVar variation 974257 (VCV000974257.13), dbSNP rs1429943036, ClinGen allele CA397486565.

ClinVar aggregate classification (germline): Pathogenic/Likely pathogenic. Review status: criteria provided, multiple submitters, no conflicts (2 of 4 stars). 6 submissions from 6 submitters: Pathogenic (1); Likely pathogenic (4). 1 of the submissions does not count toward it. Last evaluated 2025-02-14.

Conditions:
FANCA-related disorder. Also called: FANCA-related condition.
Fanconi anemia (FA). Also called: Fanconi's anemia. Identifiers: Orphanet 84, MedGen C0015625, MeSH D005199, MONDO:0019391.
Fanconi anemia complementation group A (FANCA). Also called: Fanconi anemia, group A; FANCA-Related Fanconi Anemia. Identifiers: Orphanet 84, MedGen C3469521, MONDO:0009215, OMIM 227650.

Allele frequency attached by ClinVar (database versions not stated): TOPMed below 0.00001; gnomAD exomes 0.00001.
gnomAD v4.1: 10 of 1,614,066 alleles (0.00062%); highest among the groups gnomAD compares: African/African-American, 0.0013%; no homozygotes.

Submissions (6):

Natera, Inc.
Classification: Likely pathogenic for Fanconi anemia. Last evaluated: 2025-02-14. Review status: criteria provided, single submitter. Criteria: Natera Variant Classification Schema (03/2026). Collection method: clinical testing. Allele origin: germline.
Comment: The c.3164G>A variant in FANCA is a missense variant predicted to cause substitution of arginine to glutamine at amino acid 1055. This variant is rare in the general population with a frequency below the threshold expected for the associated phenotype(s). This variant has been observed in one or more individuals affected with the associated recessive disease, as either homozygous or compound heterozygous with a second variant (PMID: 24584348). A different variant at the same position has been determined to be Pathogenic or Likely Pathogenic. Computational prediction algorithms indicate this variant is likely to affect gene or protein function. Given the available evidence, this variant is classified as Likely Pathogenic.

Labcorp Genetics (formerly Invitae), Labcorp
Classification: Pathogenic for Fanconi anemia. Last evaluated: 2024-07-24. Review status: criteria provided, single submitter. Criteria: Invitae Variant Classification Sherloc (09022015). Collection method: clinical testing. Allele origin: germline.
Comment: This sequence change replaces arginine, which is basic and polar, with glutamine, which is neutral and polar, at codon 1055 of the FANCA protein (p.Arg1055Gln). This variant is present in population databases (no rsID available, gnomAD 0.01%). This missense change has been observed in individual(s) with Fanconi anemia (PMID: 24584348). In at least one individual the data is consistent with being in trans (on the opposite chromosome) from a pathogenic variant. ClinVar contains an entry for this variant (Variation ID: 974257). Advanced modeling of protein sequence and biophysical properties (such as structural, functional, and spatial information, amino acid conservation, physicochemical variation, residue mobility, and thermodynamic stability) performed at Invitae indicates that this missense variant is expected to disrupt FANCA protein function with a positive predictive value of 80%. This variant disrupts the p.Arg1055 amino acid residue in FANCA. Other variant(s) that disrupt this residue have been determined to be pathogenic (PMID: 9929978, 10094191, 15523645, 19367192). This suggests that this residue is clinically significant, and that variants that disrupt this residue are likely to be disease-causing. For these reasons, this variant has been classified as Pathogenic.

Fulgent Genetics
Classification: Likely pathogenic for Fanconi anemia complementation group A. Last evaluated: 2024-05-05. Review status: criteria provided, single submitter. Criteria: ACMG Guidelines, 2015. Collection method: clinical testing. Allele origin: germline.

Baylor Genetics
Classification: Likely pathogenic for Fanconi anemia complementation group A. Last evaluated: 2023-09-07. Review status: criteria provided, single submitter. Criteria: ACMG Guidelines, 2015. Collection method: clinical testing. Allele origin: unknown.

PreventionGenetics, part of Exact Sciences
Classification: Likely pathogenic for FANCA-related condition. Last evaluated: 2023-02-27. Review status: criteria provided, single submitter. Criteria: ACMG Guidelines, 2015. Collection method: clinical testing. Allele origin: germline.
Comment: The FANCA c.3164G>A variant is predicted to result in the amino acid substitution p.Arg1055Gln. This variant has been reported previously to be causative for Fanconi anemia in several patients (De Rocco et al. 2014. PubMed ID: 24584348; Nicchia et al. 2015. PubMed ID: 26740942). This variant is reported in 0.011% of alleles in individuals of African descent in gnomAD and is interpreted as Pathogenic in ClinVar. This variant is interpreted as likely pathogenic.

Leiden Open Variation Database
Classification: Pathogenic for Fanconi anemia complementation group A. Last evaluated: 2020-02-28. Review status: no assertion criteria provided. Collection method: curation. Allele origin: germline. Affected: yes. Not counted in ClinVar's aggregate classification.
Comment: Curator: Arleen D. Auerbach. Submitter to LOVD: Arleen D. Auerbach.

Literature cited by the submitters: PubMed 24584348 (cited by Natera, Inc. and Labcorp Genetics (formerly Invitae), Labcorp); PubMed 9929978 (cited by Labcorp Genetics (formerly Invitae), Labcorp); PubMed 10094191 (cited by Labcorp Genetics (formerly Invitae), Labcorp); PubMed 15523645 (cited by Labcorp Genetics (formerly Invitae), Labcorp); PubMed 19367192 (cited by Labcorp Genetics (formerly Invitae), Labcorp).